The following is an entry in ClinVar:

NM_001377.3(DYNC2H1):c.9391G>C (p.Glu3131Gln)

Gene: DYNC2H1 (dynein cytoplasmic 2 heavy chain 1; plus strand). Cytogenetic location: 11q22.3.
Variant type: single nucleotide variant.
Coding change: c.9391G>C on transcript NM_001377.3 (MANE Select); coding-DNA position 9391, G replaced by C.
Protein change: p.Glu3131Gln; replaces glutamic acid 3131 with glutamine.
Molecular consequence: missense variant.
Genome position (GRCh38, 1-based): chr11:103,231,297, G>C. VCF-style: chr11-103231297-G-C. GRCh37 (hg19) VCF-style: chr11-103102026-G-C.
Other names: c.9391G>C, p.Glu3131Gln (NM_001080463.2); short protein forms E3131Q.
Identifiers: ClinVar variation 1695445 (VCV001695445.2), dbSNP rs983700534, ClinGen allele CA382239748.

ClinVar aggregate classification (germline): Uncertain significance (1 of 4 stars; one submission).

gnomAD v4.1: 1 of 1,607,298 alleles (0.000062%); no homozygotes.

Submission:

GeneDx
Classification: Uncertain significance. Last evaluated: 2022-01-06. Review status: criteria provided, single submitter. Criteria: GeneDx Variant Classification Process June 2021. Collection method: clinical testing. Allele origin: germline. Affected: yes.
Comment: Not observed at significant frequency in large population cohorts (gnomAD); In silico analysis supports that this missense variant does not alter protein structure/function; Has not been previously published as pathogenic or benign to our knowledge